The following is an entry in ClinVar:

NM_001903.5(CTNNA1):c.1802A>G (p.Asp601Gly)

Gene: CTNNA1 (catenin alpha 1; plus strand). Cytogenetic location: 5q31.2.
Variant type: single nucleotide variant.
Coding change: c.1802A>G on transcript NM_001903.5 (MANE Select); coding-DNA position 1802, A replaced by G.
Protein change: p.Asp601Gly; replaces aspartic acid 601 with glycine.
Molecular consequence: missense variant.
Genome position (GRCh38, 1-based): chr5:138,925,310, A>G. VCF-style: chr5-138925310-A-G. GRCh37 (hg19) VCF-style: chr5-138260999-A-G.
Other names: c.1802A>G, p.Asp601Gly (NM_001290307.3, NM_001323982.2, NM_001323983.1 and 2 more transcripts); c.1493A>G, p.Asp498Gly (NM_001290309.3); c.1433A>G, p.Asp478Gly (NM_001290310.3); c.692A>G, p.Asp231Gly (NM_001290312.1, NM_001323987.1, NM_001323988.1 and 17 more transcripts); c.1709A>G, p.Asp570Gly (NM_001323986.2); c.353A>G, p.Asp118Gly (NM_001324006.1, NM_001324007.1, NM_001324008.1 and 2 more transcripts); c.599A>G, p.Asp200Gly (NM_001324011.1); c.449A>G, p.Asp150Gly (NM_001324012.1, NM_001324013.1); and 1 more; short protein forms D200G, D150G, D498G, D118G, D601G, D231G, D478G, D570G.
Identifiers: ClinVar variation 1950990 (VCV001950990.6), dbSNP rs2150294858, ClinGen allele CA361132235.

ClinVar aggregate classification (germline): Uncertain significance. Review status: criteria provided, multiple submitters, no conflicts (2 of 4 stars). 2 submissions from 2 submitters: Uncertain significance (2). Last evaluated 2024-05-30.

Conditions:
Hereditary cancer-predisposing syndrome. Also called: Hereditary neoplastic syndrome; Tumor predisposition; Hereditary Cancer Syndrome; Neoplastic Syndromes, Hereditary. Identifiers: Orphanet 140162, MedGen C0027672, MeSH D009386, MONDO:0015356.

Submissions (2):

Ambry Genetics
Classification: Uncertain significance for Hereditary cancer-predisposing syndrome. Last evaluated: 2024-05-30. Review status: criteria provided, single submitter. Criteria: Ambry Variant Classification Scheme 2023. Collection method: clinical testing. Allele origin: germline.
Comment: The p.D601G variant (also known as c.1802A>G), located in coding exon 12 of the CTNNA1 gene, results from an A to G substitution at nucleotide position 1802. The aspartic acid at codon 601 is replaced by glycine, an amino acid with similar properties. This amino acid position is conserved. In addition, this alteration is predicted to be tolerated by in silico analysis. Based on the available evidence, the clinical significance of this variant remains unclear.

Labcorp Genetics (formerly Invitae), Labcorp
Classification: Uncertain significance. Last evaluated: 2024-04-29. Review status: criteria provided, single submitter. Criteria: Invitae Variant Classification Sherloc (09022015). Collection method: clinical testing. Allele origin: germline.
Comment: This sequence change replaces aspartic acid, which is acidic and polar, with glycine, which is neutral and non-polar, at codon 601 of the CTNNA1 protein (p.Asp601Gly). This variant is not present in population databases (gnomAD no frequency). This variant has not been reported in the literature in individuals affected with CTNNA1-related conditions. ClinVar contains an entry for this variant (Variation ID: 1950990). Advanced modeling of protein sequence and biophysical properties (such as structural, functional, and spatial information, amino acid conservation, physicochemical variation, residue mobility, and thermodynamic stability) performed at Invitae indicates that this missense variant is not expected to disrupt CTNNA1 protein function with a negative predictive value of 80%. In summary, the available evidence is currently insufficient to determine the role of this variant in disease. Therefore, it has been classified as a Variant of Uncertain Significance.